The following is an entry in ClinVar:

NC_000001.10:g.(?_235652463)_(235658148_?)dup

Gene: B3GALNT2 (beta-1,3-N-acetylgalactosaminyltransferase 2; minus strand). Cytogenetic location: 1q42.3.
Variant type: Duplication.
Identifiers: ClinVar variation 1016280 (VCV001016280.7).

ClinVar aggregate classification (germline): Uncertain significance (1 of 4 stars; one submission).

Conditions:
Muscular dystrophy-dystroglycanopathy (congenital with brain and eye anomalies), type a, 11 (MDDGA11). Also called: WALKER-WARBURG SYNDROME OR MUSCLE-EYE-BRAIN DISEASE, B3GALNT2-RELATED; Congenital muscular dystrophy-dystroglycanopathy with brain and eye anomalies, type A11; Muscular dystrophy-dystroglycanopathy (congenital with brain and eye anomalies, type A, 11. Identifiers: Orphanet 588, Orphanet 899, MedGen C3554638, MONDO:0014071, OMIM 615181.

Submission:

Labcorp Genetics (formerly Invitae), Labcorp
Classification: Uncertain significance for Muscular dystrophy-dystroglycanopathy (congenital with brain and eye anomalies), type a, 11. Last evaluated: 2022-10-25. Review status: criteria provided, single submitter. Criteria: Invitae Variant Classification Sherloc (09022015). Collection method: clinical testing. Allele origin: germline.
Comment: In summary, the available evidence is currently insufficient to determine the role of this variant in disease. Therefore, it has been classified as a Variant of Uncertain Significance. This variant has not been reported in the literature in individuals affected with B3GALNT2-related conditions. This variant results in a copy number gain of the genomic region encompassing exon(s) 2-3 of the B3GALNT2 gene. While the exact position of this variant cannot be determined from the data, sub-genic copy number gains are generally in tandem (PMID: 25640679). This variant is predicted to be in-frame, and likely preserves the integrity of the reading frame.

Literature cited by the submitters: PubMed 25640679.